The following is an entry in ClinVar:

ClinVar aggregate classification (germline): Uncertain significance. Review status: criteria provided, multiple submitters, no conflicts (2 of 4 stars). 2 submissions from 2 submitters: Uncertain significance (2). Last evaluated 2024-02-06.

Conditions:
Renal tubular dysgenesis of genetic origin. Also called: PRIMITIVE RENAL TUBULE SYNDROME. Identifiers: Orphanet 97369, MedGen C5681536, MONDO:0009970, OMIM 267430.

Allele frequency attached by ClinVar (database versions not stated): TOPMed 0.00006; ExAC 0.00007; gnomAD 0.00009; 1000 Genomes Project 30x 0.00094; 1000 Genomes Project 0.00100.
gnomAD v4.1: 39 of 1,613,996 alleles (0.0024%); highest among the groups gnomAD compares: East Asian, 0.04%; no homozygotes.

Submissions (2):

Fulgent Genetics
Classification: Uncertain significance for Renal tubular dysgenesis of genetic origin. Last evaluated: 2024-02-06. Review status: criteria provided, single submitter. Criteria: ACMG Guidelines, 2015. Collection method: clinical testing. Allele origin: germline.

Labcorp Genetics (formerly Invitae), Labcorp
Classification: Uncertain significance. Last evaluated: 2022-05-21. Review status: criteria provided, single submitter. Criteria: Invitae Variant Classification Sherloc (09022015). Collection method: clinical testing. Allele origin: germline.
Comment: This sequence change replaces arginine, which is basic and polar, with histidine, which is basic and polar, at codon 477 of the AGT protein (p.Arg477His). In summary, the available evidence is currently insufficient to determine the role of this variant in disease. Therefore, it has been classified as a Variant of Uncertain Significance. Advanced modeling of protein sequence and biophysical properties (such as structural, functional, and spatial information, amino acid conservation, physicochemical variation, residue mobility, and thermodynamic stability) performed at Invitae indicates that this missense variant is expected to disrupt AGT protein function. This variant has not been reported in the literature in individuals affected with AGT-related conditions. The frequency data for this variant in the population databases is considered unreliable, as metrics indicate poor data quality at this position in the gnomAD database.

NM_001384479.1(AGT):c.1403G>A (p.Arg468His)

Gene: AGT (angiotensinogen; minus strand). Cytogenetic location: 1q42.2.
Variant type: single nucleotide variant.
Coding change: c.1403G>A on transcript NM_001384479.1 (MANE Select); coding-DNA position 1403, G replaced by A.
Protein change: p.Arg468His; replaces arginine 468 with histidine.
Molecular consequence: missense variant.
Genome position (GRCh38, 1-based): chr1:230,703,169, C>T on the plus strand (G>A on the coding strand, the complement: AGT is on the minus strand). VCF-style: chr1-230703169-C-T. GRCh37 (hg19) VCF-style: chr1-230838915-C-T.
Other names: c.1403G>A, p.Arg468His (NM_001382817.3); short protein forms R468H.
Identifiers: ClinVar variation 2057215 (VCV002057215.4), dbSNP rs146284519, ClinGen allele CA1448029.